The following is an entry in ClinVar:

NM_002055.5(GFAP):c.625C>G (p.Arg209Gly)

Gene: GFAP (glial fibrillary acidic protein; minus strand). Cytogenetic location: 17q21.31.
Variant type: single nucleotide variant.
Coding change: c.625C>G on transcript NM_002055.5 (MANE Select); coding-DNA position 625, C replaced by G.
Protein change: p.Arg209Gly; replaces arginine 209 with glycine.
Molecular consequence: missense variant.
Genome position (GRCh38, 1-based): chr17:44,913,424, G>C on the plus strand (C>G on the coding strand, the complement: GFAP is on the minus strand). VCF-style: chr17-44913424-G-C. GRCh37 (hg19) VCF-style: chr17-42990792-G-C.
Other names: NM_002055.5(GFAP):c.625C>G; p.Arg209Gly; c.625C>G, p.Arg209Gly (NM_001131019.3, NM_001242376.3, NM_001363846.2); short protein forms R209G.
Identifiers: ClinVar variation 2432111 (VCV002432111.5), dbSNP rs146725018, ClinGen allele CA291030914.
Genomic context (GRCh38, chr17:44,913,424, plus strand): 5'-GCTTGGCCACGTCAAGCTCCACATGGACCTGCTGTCGGGCCAGCTGCTCCTGGAGTTCCC[G>C]AACCTCCTGACCAGGGTGAGAGAAGCGGTACCAGGGCTCAGGGTACAGGCCACAGCTGGG-3'
Protein context (NP_002046.1, residues 199-219): FLRKIHEEEV[Arg209Gly]ELQEQLARQQ

ClinVar aggregate classification (germline): Uncertain significance. Review status: reviewed by expert panel (3 of 4 stars). 3 submissions from 3 submitters: Uncertain significance (1). 2 of the submissions do not count toward it. Last evaluated 2026-09-21.

Conditions:
Alexander disease (ALXDRD). Also called: Alexander's disease. Identifiers: Orphanet 58, MedGen C0270726, MONDO:0008752, OMIM 203450.

Submissions (3):

ClinGen Leukodystrophy and Leukoencephalopathy Variant Curation Expert Panel, ClinGen
Classification: Uncertain significance for Alexander disease. Last evaluated: 2026-09-21. Review status: reviewed by expert panel. Criteria: ClinGen Leuko ACMG Specifications GFAP V1.0. Collection method: curation. Allele origin: germline. Inheritance: Autosomal dominant inheritance.
Comment: The c.625C>G (NM_0002055.5) variant in GFAP is a missense variant predicted to cause substitution of arginine by glycine at amino acid 209 (p.Arg209Gly). The GrpMax filtering allele frequency in gnomAD v4.1.1 is 0.00000852 from the Non-Finnish European genetic ancestry group (the lower threshold of the 95% CI of 17/1461648 alleles), which is lower than the ClinGen Leukodystrophy and Leukoencephalopathy VCEP threshold (>0.00001) for BS1, and therefore does not meets this criterion. This variant has been reported in 1 proband meeting definite diagnosis of Alexander Disease per ClinGen Leukodystrophy and Leukoencephalopathy Expert Panel Specifications to the ACMG/AMP Variant Interpretation Guidelines for GFAP Version 1.0.0 (PS4_Supporting; Internal lab contributors). GFAP levels were not elevated and within the normal range in plasma. In summary, this variant meets the criteria to be classified as uncertain significance due to insufficient evidence for Autosomal Dominant Alexander disease based on the ACMG/AMP criteria applied, as specified by the ClinGen Leukodystrophy and Leukoencephalopathy Expert Panel: PS4_Supporting. (ClinGen Leukodystrophy and Leukoencephalopathy VCEP Specifications Version 1.0.0)

Blueprint Genetics
Classification: Uncertain significance. Last evaluated: 2020-11-26. Review status: criteria provided, single submitter. Criteria: ACMG Guidelines, 2015. Collection method: clinical testing. Allele origin: germline. Not counted in ClinVar's aggregate classification.

Revvity Omics, Revvity
Classification: Uncertain significance for Alexander disease. Last evaluated: 2020-06-19. Review status: criteria provided, single submitter. Criteria: ACMG Guidelines, 2015. Collection method: clinical testing. Allele origin: germline. Not counted in ClinVar's aggregate classification.